The following is an entry in ClinVar:

ClinVar aggregate classification (germline): Likely pathogenic (1 of 4 stars; one submission).

Conditions:
Pheochromocytoma/paraganglioma syndrome 5. Also called: Paragangliomas 5; SDHA-Related Hereditary Paraganglioma-Pheochromocytoma Syndrome. Identifiers: Orphanet 29072, MedGen C3279992, MONDO:0013602, OMIM 614165.

Submission:

Myriad Genetics, Inc.
Classification: Likely pathogenic for Pheochromocytoma/paraganglioma syndrome 5. Last evaluated: 2026-06-09. Review status: criteria provided, single submitter. Criteria: Myriad Autosomal Dominant, Autosomal Recessive and X-Linked Classification Criteria (2023). Collection method: clinical testing. Allele origin: unknown.
Comment: This variant is considered likely pathogenic. This variant has been reported in multiple individuals with clinical features of gene-specific disease [PMID: 30877234, 28552549; external communications 2025]. This variant is expected to disrupt protein structure [Myriad internal data].

Literature cited by the submitters: PubMed 30877234; PubMed 28552549.

NM_004168.4(SDHA):c.1752_1754delinsGCA (p.Arg585Gln)

Gene: SDHA (succinate dehydrogenase complex flavoprotein subunit A; plus strand). Cytogenetic location: 5p15.33.
Variant type: Indel.
Coding change: c.1752_1754delinsGCA on transcript NM_004168.4 (MANE Select); coding-DNA positions 1752 to 1754, ACG replaced by GCA.
Protein change: p.Arg585Gln; replaces arginine 585 with glutamine.
Molecular consequence: missense variant. On other transcripts: intron variant (1).
Genome position (GRCh38, 1-based): chr5:251,426-251,428, ACG replaced by GCA. VCF-style: chr5-251426-ACG-GCA. GRCh37 (hg19) VCF-style: chr5-251541-ACG-GCA.
Other names: c.1608_1610delinsGCA, p.Arg537Gln (NM_001294332.2); c.1552-2967_1552-2965delinsGCA (NM_001330758.2); short protein forms R537Q, R585Q.
Identifiers: ClinVar variation 4876207 (VCV004876207.1).